The following is an entry in ClinVar:

ClinVar aggregate classification (germline): Pathogenic. Review status: criteria provided, single submitter (1 of 4 stars). 2 submissions from 1 submitter: Pathogenic (2). Last evaluated 2015-12-07.

Conditions:
Juvenile polyposis syndrome (JPS). Identifiers: Orphanet 2929, MedGen C0345893, MONDO:0017380, OMIM 174900.
Generalized juvenile polyposis/juvenile polyposis coli. Also called: Juvenile polyposis coli. Identifiers: Orphanet 329971, MedGen C1868081, MONDO:0008276.

Submissions (2):

Labcorp Genetics (formerly Invitae), Labcorp
Classification: Pathogenic for Juvenile polyposis syndrome. Last evaluated: 2015-12-07. Review status: criteria provided, single submitter. Criteria: Invitae Variant Classification Sherloc (09022015). Collection method: clinical testing. Allele origin: germline.
Comment: This sequence change deletes 1 nucleotide in exon 9 of the BMPR1A mRNA (c.771delA), causing a frameshift at codon 258. This creates a premature translational stop signal (p.Val258Trpfs*3) and is expected to result in an absent or disrupted protein product. While this particular variant has not been reported in the literature, truncating variants in BMPR1A are known to be pathogenic (PMID: 11536076, 12417513). For these reasons, this variant has been classified as Pathogenic.

Labcorp Genetics (formerly Invitae), Labcorp
Classification: Pathogenic for Juvenile polyposis syndrome. Last evaluated: 2015-12-07. Review status: criteria provided, single submitter. Criteria: Invitae Variant Classification Sherloc (09022015). Collection method: clinical testing. Allele origin: germline.
Comment: the same text as in the submission from Labcorp Genetics (formerly Invitae), Labcorp above.

Literature cited by the submitters: PubMed 11536076; PubMed 12417513.

NM_004329.3(BMPR1A):c.771del (p.Val258fs)

Gene: BMPR1A (bone morphogenetic protein receptor type 1A; plus strand). Cytogenetic location: 10q23.2.
Variant type: Deletion.
Coding change: c.771del on transcript NM_004329.3 (MANE Select); coding-DNA position 771, one base deleted (A; older notation c.771delA).
Protein change: p.Val258fs; shifts the reading frame from valine 258.
Molecular consequence: frameshift variant.
Genome position (GRCh38, 1-based): chr10:86,917,229, A deleted; the last of 5 consecutive A bases (chr10:86,917,225-86,917,229); deleting any one gives the same sequence. VCF-style (leftmost placement, unchanged base first): chr10-86917224-GA-G. GRCh37 (hg19) VCF-style: chr10-88676981-GA-G.
Other names: c.771delA (NM_004329.2); short protein forms V258fs.
Identifiers: ClinVar variation 239867 (VCV000239867.10), dbSNP rs878854673, ClinGen allele CA10582748.